The following is an entry in ClinVar:

ClinVar aggregate classification (germline): Likely benign. Review status: criteria provided, multiple submitters, no conflicts (2 of 4 stars). 2 submissions from 2 submitters: Likely benign (2). Last evaluated 2024-10-24.

Allele frequency attached by ClinVar (database versions not stated): gnomAD exomes 0.00002; ExAC 0.00004; gnomAD 0.00007; TOPMed 0.00007; ESP Exome Variant Server 0.00008.

Submissions (2):

Labcorp Genetics (formerly Invitae), Labcorp
Classification: Likely benign. Last evaluated: 2024-10-24. Review status: criteria provided, single submitter. Criteria: Invitae Variant Classification Sherloc (09022015). Collection method: clinical testing. Allele origin: germline.

CeGaT Center for Human Genetics Tuebingen
Classification: Likely benign. Last evaluated: 2024-10-01. Review status: criteria provided, single submitter. Criteria: CeGaT Center For Human Genetics Tuebingen Variant Classification Criteria Version 2. Collection method: clinical testing. Allele origin: germline. Affected: yes. Observed: 1 variant allele.
Comment: TOP3A: BP4, BP7

NM_004618.5(TOP3A):c.2709C>T (p.Ser903=)

Gene: TOP3A (DNA topoisomerase III alpha; minus strand). Cytogenetic location: 17p11.2.
Variant type: single nucleotide variant.
Coding change: c.2709C>T on transcript NM_004618.5 (MANE Select); coding-DNA position 2709, C replaced by T.
Protein change: p.Ser903=; no amino-acid change (serine 903 retained).
Molecular consequence: synonymous variant.
Genome position (GRCh38, 1-based): chr17:18,277,793, G>A on the plus strand (C>T on the coding strand, the complement: TOP3A is on the minus strand). VCF-style: chr17-18277793-G-A. GRCh37 (hg19) VCF-style: chr17-18181107-G-A.
Other names: c.2424C>T, p.Ser808= (NM_001320759.2).
Identifiers: ClinVar variation 2190830 (VCV002190830.18), dbSNP rs369049562, ClinGen allele CA8429534.
Genomic context (GRCh38, chr17:18,277,793, plus strand): 5'-GGCACATGTGTGGAACTGGCGCCCCTTGTTGGGTCCATCCTTCTGCACAGTCCGTGTGAC[G>A]GAGGGCTGGCTGCAAAGGCAGGATGTGCCACTACCACTGCCATCACCAGGGTTGCCAAAC-3'
Protein context (NP_004609.1, residues 893-913): SGTSCLCSQP[Ser903=]VTRTVQKDGP